The following is an entry in ClinVar:

ClinVar aggregate classification (germline): Pathogenic (1 of 4 stars; one submission).

Conditions:
Inborn genetic diseases. Identifiers: MedGen C0950123, MeSH D030342.

Submission:

Ambry Genetics
Classification: Pathogenic for Inborn genetic diseases. Last evaluated: 2023-04-25. Review status: criteria provided, single submitter. Criteria: Ambry Variant Classification Scheme 2023. Collection method: clinical testing. Allele origin: germline.
Comment: The c.2430_2451del22insTCTGGCATC (p.R811Lfs*8) alteration, located in exon 8 (coding exon 7) of the BRPF1 gene, consists of a deletion of 22 and insertion of 9 nucleotides, causing a translational frameshift at position 2430 with a predicted alternate stop codon after 8 amino acids. This alteration is expected to result in loss of function by premature protein truncation or nonsense-mediated mRNA decay. This variant was not reported in population-based cohorts in the Genome Aggregation Database (gnomAD). Based on the available evidence, this alteration is classified as pathogenic.

NM_001003694.2(BRPF1):c.2430_2451delinsTCTGGCATC (p.Arg811fs)

Gene: BRPF1 (bromodomain and PHD finger containing 1; plus strand). Cytogenetic location: 3p25.3.
Variant type: Indel.
Coding change: c.2430_2451delinsTCTGGCATC on transcript NM_001003694.2 (MANE Select); coding-DNA positions 2430 to 2451, CCGCTCACGGCGTGCAAAGATG replaced by TCTGGCATC.
Protein change: p.Arg811fs; shifts the reading frame from arginine 811.
Molecular consequence: frameshift variant. On other transcripts: non-coding transcript variant (1).
Genome position (GRCh38, 1-based): chr3:9,743,696-9,743,717, CCGCTCACGGCGTGCAAAGATG replaced by TCTGGCATC. VCF-style: chr3-9743696-CCGCTCACGGCGTGCAAAGATG-TCTGGCATC. GRCh37 (hg19) VCF-style: chr3-9785380-CCGCTCACGGCGTGCAAAGATG-TCTGGCATC.
Other names: c.2412_2433delinsTCTGGCATC, p.Arg805fs (NM_001319049.2, NM_004634.3); c.2409_2430delinsTCTGGCATC, p.Arg804fs (NM_001319050.2); c.2427_2448delinsTCTGGCATC, p.Arg810fs (NM_001410704.1); short protein forms R804fs, R810fs, R811fs, R805fs.
Identifiers: ClinVar variation 2536853 (VCV002536853.2), dbSNP rs2471501626, ClinGen allele CA2580614132.